The following is an entry in ClinVar:

ClinVar aggregate classification (germline): Likely benign. Review status: criteria provided, multiple submitters, no conflicts (2 of 4 stars). 2 submissions from 2 submitters: Likely benign (2). Last evaluated 2026-02-01.

Allele frequency attached by ClinVar (database versions not stated): gnomAD exomes below 0.00001; TOPMed 0.00001.
gnomAD v4.1: 5 of 1,613,506 alleles (0.00031%); highest among the groups gnomAD compares: East Asian, 0.0022%; no homozygotes.

Submissions (2):

CeGaT Center for Human Genetics Tuebingen
Classification: Likely benign. Last evaluated: 2026-02-01. Review status: criteria provided, single submitter. Criteria: CeGaT Center For Human Genetics Tuebingen Variant Classification Criteria Version 2. Collection method: clinical testing. Allele origin: germline. Affected: yes. Observed: 2 variant alleles.
Comment: KMT2A: BP4, BP7

Labcorp Genetics (formerly Invitae), Labcorp
Classification: Likely benign. Last evaluated: 2024-03-07. Review status: criteria provided, single submitter. Criteria: Invitae Variant Classification Sherloc (09022015). Collection method: clinical testing. Allele origin: germline.

NM_001197104.2(KMT2A):c.1602G>A (p.Ser534=)

Gene: KMT2A (lysine methyltransferase 2A; plus strand). Cytogenetic location: 11q23.3.
Variant type: single nucleotide variant.
Coding change: c.1602G>A on transcript NM_001197104.2 (MANE Select); coding-DNA position 1602, G replaced by A.
Protein change: p.Ser534=; no amino-acid change (serine 534 retained).
Molecular consequence: synonymous variant.
Genome position (GRCh38, 1-based): chr11:118,472,761, G>A. VCF-style: chr11-118472761-G-A. GRCh37 (hg19) VCF-style: chr11-118343476-G-A.
Other names: c.1701G>A, p.Ser567= (NM_001412597.1); c.1602G>A, p.Ser534= (NM_005933.4).
Identifiers: ClinVar variation 2189208 (VCV002189208.26), dbSNP rs949534642, ClinGen allele CA229521474.
Genomic context (GRCh38, chr11:118,472,761, plus strand): 5'-CATTTCCCAGTCCCCAGAAAATGAGAGTAATGATAGGAGAAGCAGAAGGTATTCAGTGTC[G>A]GAGAGAAGTTTTGGATCTAGAACGACGAAAAAATTATCAACTCTACAAAGTGCCCCCCAG-3'
Protein context (NP_001184033.1, residues 524-544): NDRRSRRYSV[Ser534=]ERSFGSRTTK